The following is an entry in ClinVar:

NM_000198.4(HSD3B2):c.340del (p.Ala114fs)

Gene: HSD3B2 (hydroxy-delta-5-steroid dehydrogenase, 3 beta- and steroid delta-isomerase 2; plus strand). Cytogenetic location: 1p12.
Variant type: Deletion.
Coding change: c.340del on transcript NM_000198.4 (MANE Select); coding-DNA position 340, one base deleted (G; older notation c.340delG).
Protein change: p.Ala114fs; shifts the reading frame from alanine 114.
Molecular consequence: frameshift variant.
Genome position (GRCh38, 1-based): chr1:119,421,841, G deleted. VCF-style (leftmost placement, unchanged base first): chr1-119421840-AG-A. GRCh37 (hg19) VCF-style: chr1-119964463-AG-A.
Other names: c.340delG (NM_000198.3); c.340del, p.Ala114fs (NM_001166120.2); short protein forms A114fs.
Identifiers: ClinVar variation 1070432 (VCV001070432.10), dbSNP rs765602803, ClinGen allele CA1035958.
Genomic context (GRCh38, chr1:119,421,840, plus strand): 5'-GACACTGTCATCATGCTCTTCGTGGGCAGGTACCCAGCTACTGTTGGAGGCCTGTGTCCA[AG>A]CCAGTGTGCCAGTCTTCATCTACACCAGTAGCATAGAGGTAGCCGGGCCCAACTCCTACA-3'

ClinVar aggregate classification (germline): Pathogenic/Likely pathogenic. Review status: criteria provided, multiple submitters, no conflicts (2 of 4 stars). 2 submissions from 2 submitters: Pathogenic (1); Likely pathogenic (1). Last evaluated 2026-01-26.

Conditions:
3 beta-Hydroxysteroid dehydrogenase deficiency. Also called: 3-BETA-HSD DEFICIENCY; ADRENAL HYPERPLASIA II; ADRENAL HYPERPLASIA, CONGENITAL, DUE TO 3-BETA-HYDROXYSTEROID DEHYDROGENASE 2 DEFICIENCY; Congenital adrenal hyperplasia due to 3-beta-hydroxysteroid dehydrogenase deficiency; 3b-hydroxysteroid dehydrogenase deficiency. Identifiers: Orphanet 90791, MedGen C0342471, MeSH C538236, MONDO:0008727, OMIM 201810. Disease mechanism: loss of function.

Allele frequency attached by ClinVar (database versions not stated): gnomAD exomes below 0.00001; ExAC 0.00001.

Submissions (2):

Natera, Inc.
Classification: Likely pathogenic for 3 beta hydroxysteroid dehydrogenase deficiency. Last evaluated: 2026-01-26. Review status: criteria provided, single submitter. Criteria: Natera Variant Classification Schema (03/2026). Collection method: clinical testing. Allele origin: germline.
Comment: The c.340delG variant in HSD3B2 is a frameshift variant predicted to shift the reading frame beginning at codon 114 and leads to a stop codon 12 codons downstream. This variant is expected to result in nonsense mediated decay, truncation, or a dysfunctional protein product. This variant is rare in the general population with a frequency below the threshold expected for the associated phenotype(s). Given the available evidence, this variant is classified as Likely Pathogenic.

Labcorp Genetics (formerly Invitae), Labcorp
Classification: Pathogenic. Last evaluated: 2023-09-14. Review status: criteria provided, single submitter. Criteria: Invitae Variant Classification Sherloc (09022015). Collection method: clinical testing. Allele origin: germline.
Comment: This variant is present in population databases (rs765602803, gnomAD 0.006%). This sequence change creates a premature translational stop signal (p.Ala114Profs*12) in the HSD3B2 gene. While this is not anticipated to result in nonsense mediated decay, it is expected to disrupt the last 259 amino acid(s) of the HSD3B2 protein. This variant has not been reported in the literature in individuals affected with HSD3B2-related conditions. For these reasons, this variant has been classified as Pathogenic. This variant disrupts a region of the HSD3B2 protein in which other variant(s) (p.Trp171*) have been determined to be pathogenic (PMID: 1363812, 27626911). This suggests that this is a clinically significant region of the protein, and that variants that disrupt it are likely to be disease-causing. ClinVar contains an entry for this variant (Variation ID: 1070432).

Literature cited by the submitters: PubMed 1363812 (cited by Labcorp Genetics (formerly Invitae), Labcorp); PubMed 27626911 (cited by Labcorp Genetics (formerly Invitae), Labcorp).